The following is an entry in ClinVar:

NM_172201.2(KCNE2):c.79C>A (p.Arg27Ser)

Genes: KCNE2 (potassium voltage-gated channel subfamily E regulatory subunit 2; plus strand), LOC105372791 (uncharacterized LOC105372791; minus strand). Cytogenetic location: 21q22.11.
Variant type: single nucleotide variant.
Coding change: c.79C>A on transcript NM_172201.2 (MANE Select); coding-DNA position 79, C replaced by A.
Protein change: p.Arg27Ser; replaces arginine 27 with serine.
Molecular consequence: missense variant.
Genome position (GRCh38, 1-based): chr21:34,370,557, C>A. VCF-style: chr21-34370557-C-A. GRCh37 (hg19) VCF-style: chr21-35742856-C-A.
Other names: short protein forms R27S.
Identifiers: ClinVar variation 1172865 (VCV001172865.7), dbSNP rs74315449, ClinGen allele CA410196238.

ClinVar aggregate classification (germline): Uncertain significance. Review status: criteria provided, multiple submitters, no conflicts (2 of 4 stars). 2 submissions from 2 submitters: Uncertain significance (2). Last evaluated 2025-08-13.

Conditions:
Long QT syndrome 6 (LQT6). Identifiers: Orphanet 101016, Orphanet 768, MedGen C3150953, MONDO:0013370, OMIM 613693.

gnomAD v4.1: 12 of 1,614,180 alleles (0.00074%); highest among the groups gnomAD compares: Non-Finnish European, 0.001%; no homozygotes.

Submissions (2):

Labcorp Genetics (formerly Invitae), Labcorp
Classification: Uncertain significance for Long QT syndrome 6. Last evaluated: 2025-08-13. Review status: criteria provided, single submitter. Criteria: Invitae Variant Classification Sherloc (09022015). Collection method: clinical testing. Allele origin: germline.
Comment: This sequence change replaces arginine, which is basic and polar, with serine, which is neutral and polar, at codon 27 of the KCNE2 protein (p.Arg27Ser). This variant is present in population databases (no rsID available, gnomAD 0.0009%). This missense change has been observed in individual(s) with long QT syndrome (PMID: 28794082). ClinVar contains an entry for this variant (Variation ID: 1172865). An algorithm developed to predict the effect of missense changes on protein structure and function (PolyPhen-2) suggests that this variant is likely to be disruptive. In summary, the available evidence is currently insufficient to determine the role of this variant in disease. Therefore, it has been classified as a Variant of Uncertain Significance.

Women's Health and Genetics/Laboratory Corporation of America, LabCorp
Classification: Uncertain significance. Last evaluated: 2021-06-01. Review status: criteria provided, single submitter. Criteria: LabCorp Variant Classification Summary - May 2015. Collection method: clinical testing. Allele origin: germline.
Comment: Variant summary: KCNE2 c.79C>A (p.Arg27Ser) results in a non-conservative amino acid change in the encoded protein sequence. Five of five in-silico tools predict a damaging effect of the variant on protein function. The variant allele was found at a frequency of 4e-06 in 251466 control chromosomes. The available data on variant occurrences in the general population are insufficient to allow any conclusion about variant significance. c.79C>A has been reported in the literature in at-least one individual affected with Arrhythmia in a study cohort of index cases and families among surveyed inherited arrythmia clinics and the Rochester Long-QT syndrome registry (example, Roberts_2017). This report does not provide unequivocal conclusions about association of the variant with Arrhythmia/LQT6. At-least one co-occurrence with another pathogenic variant has been observed at our laboratory (PKP2 c.2489+1G>A), providing supporting evidence for a benign role. To our knowledge, no experimental evidence demonstrating an impact on protein function has been reported. No clinical diagnostic laboratories have submitted clinical-significance assessments for this variant to ClinVar after 2014. Based on the evidence outlined above, the variant was classified as uncertain significance.

Literature cited by the submitters: PubMed 28794082 (cited by Labcorp Genetics (formerly Invitae), Labcorp and Women's Health and Genetics/Laboratory Corporation of America, LabCorp).